The following is an entry in ClinVar:

ClinVar aggregate classification (germline): Uncertain significance (1 of 4 stars; one submission).

Conditions:
Cardiovascular phenotype. Identifiers: MedGen CN230736.

Allele frequency attached by ClinVar (database versions not stated): ExAC 0.00001; TOPMed 0.00002; gnomAD 0.00003; gnomAD exomes 0.00004.
gnomAD v4.1: 62 of 1,612,480 alleles (0.0038%); highest among the groups gnomAD compares: Non-Finnish European, 0.0052%; no homozygotes.

Submission:

Ambry Genetics
Classification: Uncertain significance for Cardiovascular phenotype. Last evaluated: 2024-09-17. Review status: criteria provided, single submitter. Criteria: Ambry Variant Classification Scheme 2023. Collection method: clinical testing. Allele origin: germline.
Comment: The p.A104T variant (also known as c.310G>A), located in coding exon 3 of the APOE gene, results from a G to A substitution at nucleotide position 310. The alanine at codon 104 is replaced by threonine, an amino acid with similar properties. This amino acid position is conserved. In addition, this alteration is predicted to be tolerated by in silico analysis. Since supporting evidence is limited at this time, the clinical significance of this alteration remains unclear.

NM_000041.4(APOE):c.310G>A (p.Ala104Thr)

Gene: APOE (apolipoprotein E; plus strand). Cytogenetic location: 19q13.32.
Variant type: single nucleotide variant.
Coding change: c.310G>A on transcript NM_000041.4 (MANE Select); coding-DNA position 310, G replaced by A.
Protein change: p.Ala104Thr; replaces alanine 104 with threonine.
Molecular consequence: missense variant.
Genome position (GRCh38, 1-based): chr19:44,908,606, G>A. VCF-style: chr19-44908606-G-A. GRCh37 (hg19) VCF-style: chr19-45411863-G-A.
Other names: c.388G>A, p.Ala130Thr (NM_001302688.2); c.310G>A, p.Ala104Thr (NM_001302689.2, NM_001302690.2, NM_001302691.2); short protein forms A130T, A104T.
Identifiers: ClinVar variation 1727733 (VCV001727733.3), dbSNP rs767382895, ClinGen allele CA9506035.